The following is an entry in ClinVar:

NM_170682.4(P2RX2):c.1144T>C (p.Cys382Arg)

Gene: P2RX2 (purinergic receptor P2X 2; plus strand). Cytogenetic location: 12q24.33.
Variant type: single nucleotide variant.
Coding change: c.1144T>C on transcript NM_170682.4 (MANE Select); coding-DNA position 1144, T replaced by C.
Protein change: p.Cys382Arg; replaces cysteine 382 with arginine.
Molecular consequence: missense variant. On other transcripts: 3 prime UTR variant (1), intron variant (2).
Genome position (GRCh38, 1-based): chr12:132,621,700, T>C. VCF-style: chr12-132621700-T-C. GRCh37 (hg19) VCF-style: chr12-133198286-T-C.
Other names: c.*191T>C (NM_001282165.2); c.928T>C, p.Cys310Arg (NM_012226.5); c.1072T>C, p.Cys358Arg (NM_016318.4); c.1222T>C, p.Cys408Arg (NM_170683.4); c.868T>C, p.Cys290Arg (NM_174872.3); c.1140+4T>C (NM_174873.3); c.1038+4T>C (NM_001282164.2); c.1222T>C (NM_170683.3); short protein forms C290R, C310R, C358R, C382R, C408R.
Identifiers: ClinVar variation 3603921 (VCV003603921.3).

ClinVar aggregate classification (germline): Benign/Likely benign. Review status: criteria provided, multiple submitters, no conflicts (2 of 4 stars). 2 submissions from 2 submitters: Benign (1); Likely benign (1). Last evaluated 2025-11-21.

Conditions:
P2RX2-related disorder. Also called: P2RX2-related condition.

Submissions (2):

PreventionGenetics, part of Exact Sciences
Classification: Likely benign for P2RX2-related condition. Last evaluated: 2025-11-21. Review status: criteria provided, single submitter. Criteria: ACMG Guidelines, 2015. Collection method: clinical testing. Allele origin: germline.
Comment: This variant is classified as likely benign based on ACMG/AMP sequence variant interpretation guidelines (Richards et al. 2015 PMID: 25741868, with internal and published modifications).

Labcorp Genetics (formerly Invitae), Labcorp
Classification: Benign. Last evaluated: 2024-02-17. Review status: criteria provided, single submitter. Criteria: Invitae Variant Classification Sherloc (09022015). Collection method: clinical testing. Allele origin: germline.